The following is an entry in ClinVar:

ClinVar aggregate classification (germline): Likely benign. Review status: criteria provided, multiple submitters, no conflicts (2 of 4 stars). 2 submissions from 2 submitters: Likely benign (2). Last evaluated 2025-02-06.

Conditions:
POLD1-related polyposis and colorectal cancer syndrome (CRCS10). Also called: Colorectal cancer, susceptibility to, 10; Colorectal cancer 10; COLORECTAL CANCER, SUSCEPTIBILITY TO, ON CHROMOSOME 19q. Identifiers: Orphanet 220460, MedGen C2675481, MONDO:0012953, OMIM 612591.

Submissions (2):

Myriad Genetics, Inc.
Classification: Likely benign for POLD1-related polyposis and colorectal cancer syndrome. Last evaluated: 2025-02-06. Review status: criteria provided, single submitter. Criteria: Myriad Autosomal Dominant, Autosomal Recessive and X-Linked Classification Criteria (2023). Collection method: clinical testing. Allele origin: unknown.
Comment: This variant is considered likely benign. This variant is intronic and is not expected to impact mRNA splicing.

Labcorp Genetics (formerly Invitae), Labcorp
Classification: Likely benign for POLD1-related polyposis and colorectal cancer syndrome. Last evaluated: 2024-07-30. Review status: criteria provided, single submitter. Criteria: Invitae Variant Classification Sherloc (09022015). Collection method: clinical testing. Allele origin: germline.

NM_002691.4(POLD1):c.1384-10del

Gene: POLD1 (DNA polymerase delta 1, catalytic subunit; plus strand). Cytogenetic location: 19q13.33.
Variant type: Deletion.
Coding change: c.1384-10del on transcript NM_002691.4 (MANE Select); 10 bases into the intron before coding-DNA position 1384, one base deleted (A; older notation c.1384-10delA).
Molecular consequence: intron variant.
Genome position (GRCh38, 1-based): chr19:50,406,397, A deleted. VCF-style (leftmost placement, unchanged base first): chr19-50406396-CA-C. GRCh37 (hg19) VCF-style: chr19-50909653-CA-C.
Other names: c.1384-10del (NM_001256849.1, NM_001308632.1).
Identifiers: ClinVar variation 1079528 (VCV001079528.10), dbSNP rs2122325180, ClinGen allele CA2499225562.
Genomic context (GRCh38, chr19:50,406,396, plus strand): 5'-GTGGGGTGTGTCCCTGTCCTTGGAAGGCCACTGCCCAGGCCCGCAGCCCACCAGCCCACC[CA>C]CCCACCTAGGTGCTGCTGCGGGAGTACAAGCTCCGCTCCTACACGCTCAATGCCGTGAGC-3'